The following is an entry in ClinVar:

ClinVar aggregate classification (germline): Uncertain significance (1 of 4 stars; one submission).

Conditions:
SCAPER-related disorder. Also called: SCAPER-related condition.

gnomAD v4.1: 49 of 1,613,722 alleles (0.003%); highest among the groups gnomAD compares: Admixed American, 0.08%; no homozygotes.

Submission:

PreventionGenetics, part of Exact Sciences
Classification: Uncertain significance for SCAPER-related condition. Last evaluated: 2026-08-06. Review status: criteria provided, single submitter. Criteria: ACMG Guidelines, 2015. Collection method: clinical testing. Allele origin: germline.
Comment: The SCAPER c.2476G>C variant is predicted to result in the amino acid substitution p.Val826Leu. To our knowledge, this variant has not been reported in the literature. This variant is reported in 0.13% of alleles in individuals of Latino descent in gnomAD. Although we suspect that this variant may be benign, at this time, the clinical significance of this variant is uncertain due to the absence of conclusive functional and genetic evidence.

NM_020843.4(SCAPER):c.2458G>C (p.Val820Leu)

Gene: SCAPER (S-phase cyclin A associated protein in the ER; minus strand). Cytogenetic location: 15q24.3.
Variant type: single nucleotide variant.
Coding change: c.2458G>C on transcript NM_020843.4 (MANE Select); coding-DNA position 2458, G replaced by C.
Protein change: p.Val820Leu; replaces valine 820 with leucine.
Molecular consequence: missense variant. On other transcripts: non-coding transcript variant (1).
Genome position (GRCh38, 1-based): chr15:76,701,808, C>G on the plus strand (G>C on the coding strand, the complement: SCAPER is on the minus strand). VCF-style: chr15-76701808-C-G. GRCh37 (hg19) VCF-style: chr15-76994149-C-G.
Other names: c.1720G>C, p.Val574Leu (NM_001145923.2); c.2476G>C, p.Val826Leu (NM_001353009.2); c.2056G>C, p.Val686Leu (NM_001353010.2, NM_001353012.2); c.2074G>C, p.Val692Leu (NM_001353011.2); short protein forms V820L, V574L, V686L, V826L, V692L.
Identifiers: ClinVar variation 4978180 (VCV004978180.1).
Genomic context (GRCh38, chr15:76,701,808, plus strand): 5'-TAAAGTTTACCACTTCTTCATCTGACAGTTCACGCCCCTGGATGCTGGTATTCTCTCTCA[C>G]GGCTTGCTGGTGTTTTCTCCCTTTAACATGGCTAAAAAGATATACCTCTGAAGAGATCTG-3'
Protein context (NP_065894.2, residues 810-830): HVKGRKHQQA[Val820Leu]RENTSIQGRE